The following is an entry in ClinVar:

ClinVar aggregate classification (germline): Conflicting classifications of pathogenicity. Review status: criteria provided, conflicting classifications (1 of 4 stars). 17 submissions from 13 submitters: Uncertain significance (10); Benign (2); Likely benign (5). Last evaluated 2026-08-03.

Conditions:
TTN-related disorder. Also called: TTN-related disorders; TTN-related condition; TTN-related disease.
Cardiovascular phenotype. Identifiers: MedGen CN230736.
Dilated cardiomyopathy 1G (CMD1G). Identifiers: Orphanet 154, MedGen C1858763, MONDO:0011400, OMIM 604145.
Autosomal recessive limb-girdle muscular dystrophy type 2J (LGMDR10). Also called: MUSCULAR DYSTROPHY, LIMB-GIRDLE, AUTOSOMAL RECESSIVE 10; Limb-girdle muscular dystrophy, type 2J. Identifiers: Orphanet 140922, MedGen C1837342, MONDO:0012127, OMIM 608807.
Myopathy, myofibrillar, 9, with early respiratory failure (MFM9). Also called: Hereditary myopathy with early respiratory failure; EDSTROM MYOPATHY; Myopathy, distal, with early respiratory failure, autosomal dominant; MYOPATHY, PROXIMAL, WITH EARLY RESPIRATORY MUSCLE INVOLVEMENT. Identifiers: Orphanet 178464, Orphanet 34521, MedGen C1863599, MONDO:0011362, OMIM 603689.
Early-onset myopathy with fatal cardiomyopathy (CMYO5). Also called: CONGENITAL MYOPATHY 5 WITH CARDIOMYOPATHY; Salih Myopathy. Identifiers: Orphanet 289377, MedGen C2673677, MONDO:0012714, OMIM 611705. Disease mechanism: loss of function.
Tibial muscular dystrophy (TMD). Also called: Udd Distal Myopathy – Tibial Muscular Dystrophy; Tibial muscular dystrophy, tardive; UDD MYOPATHY. Identifiers: Orphanet 609, MedGen C1838244, MONDO:0010870, OMIM 600334.

Allele frequency attached by ClinVar (database versions not stated): 1000 Genomes Project 30x 0.00047; TOPMed 0.00040; gnomAD exomes 0.00014; gnomAD 0.00026 and 0.00024; ExAC 0.00013; 1000 Genomes Project 0.00020; ESP Exome Variant Server 0.00025.
gnomAD v4.1: 161 of 1,609,282 alleles (0.01%); highest among the groups gnomAD compares: Middle Eastern, 0.083%; no homozygotes.

Submissions (17):

PreventionGenetics, part of Exact Sciences
Classification: Uncertain significance for TTN-related condition. Last evaluated: 2026-08-03. Review status: criteria provided, single submitter. Criteria: ACMG Guidelines, 2015. Collection method: clinical testing. Allele origin: germline.
Comment: The TTN c.69864A>G variant is predicted to result in the amino acid substitution p.Ile23288Met. To our knowledge, this variant has not been reported in the literature. This variant is reported in 0.092% of alleles in individuals of African descent in gnomAD. Although we suspect that this variant may be benign, at this time, the clinical significance of this variant is uncertain due to the absence of conclusive functional and genetic evidence.

Labcorp Genetics (formerly Invitae), Labcorp
Classification: Likely benign for Dilated cardiomyopathy 1G; Autosomal recessive limb-girdle muscular dystrophy type 2J. Last evaluated: 2026-01-04. Review status: criteria provided, single submitter. Criteria: Invitae Variant Classification Sherloc (09022015). Collection method: clinical testing. Allele origin: germline.

Molecular Diagnostic Laboratory for Inherited Cardiovascular Disease, Montreal Heart Institute
Classification: Likely benign. Last evaluated: 2025-04-09. Review status: criteria provided, single submitter. Criteria: ACMG Guidelines, 2015. Collection method: clinical testing. Allele origin: germline. Affected: no.

Blueprint Genetics
Classification: Uncertain significance. Last evaluated: 2024-05-13. Review status: criteria provided, single submitter. Criteria: ACMG Guidelines, 2015. Collection method: clinical testing. Allele origin: germline.

Women's Health and Genetics/Laboratory Corporation of America, LabCorp
Classification: Likely benign. Last evaluated: 2022-10-10. Review status: criteria provided, single submitter. Criteria: LabCorp Variant Classification Summary - May 2015. Collection method: clinical testing. Allele origin: germline.
Comment: Variant summary: TTN c.62160A>G (p.Ile20720Met) results in a conservative amino acid change located in the A-band of the encoded protein sequence. Four of four in-silico tools predict a benign effect of the variant on protein function. The variant allele was found at a frequency of 0.00014 in 242716 control chromosomes, predominantly at a frequency of 0.0011 within the African or African-American subpopulation in the gnomAD database. The observed variant frequency within African or African-American control individuals in the gnomAD database is approximately 2.82 fold of the estimated maximal expected allele frequency for a pathogenic variant in TTN causing Dilated Cardiomyopathy phenotype (0.00039), strongly suggesting that the variant is a benign polymorphism found primarily in populations of African or African-American origin. To our knowledge, no occurrence of c.62160A>G in individuals affected with Dilated Cardiomyopathy and no experimental evidence demonstrating its impact on protein function have been reported. Eight clinical diagnostic laboratories have submitted clinical-significance assessments for this variant to ClinVar after 2014 without evidence for independent evaluation. Multiple laboratories reported the variant with conflicting assessments. Based on the evidence outlined above, the variant was classified as likely benign.

ARUP Laboratories, Molecular Genetics and Genomics, ARUP Laboratories
Classification: Uncertain significance. Last evaluated: 2021-02-04. Review status: criteria provided, single submitter. Criteria: ARUP Molecular Germline Variant Investigation Process 2021. Collection method: clinical testing. Allele origin: germline.
Comment: The TTN c.69864A>G; p.Ile23288Met variant (rs368867993; ClinVar Variation ID: 165861) is rare in the general population (<0.2% allele frequency in the Genome Aggregation Database) and has not been reported in the medical literature in association with dilated cardiomyopathy (DCM) or other TTN-related disease. The clinical relevance of rare missense variants in this gene, which are identified on average once per individual sequenced in affected populations (Herman 2012), is not well understood. Yet, evidence suggests that the vast majority of such missense variants do not contribute to the clinical outcome of DCM (Begay 2015). Thus, the clinical significance of the p.Ile23288Met variant cannot be determined with certainty. References: Begay RL et al. Role of Titin Missense Variants in Dilated Cardiomyopathy. J Am Heart Assoc. 2015 Nov 13;4(11). Herman DS et al. Truncations of titin causing dilated cardiomyopathy. N Engl J Med. 2012 Feb 16;366(7):619-28. Linke WA and Hamdani N. Gigantic business: titin properties and function through thick and thin. Circ Res 2014; 114(6): 1052-1068.

GeneDx
Classification: Likely benign. Last evaluated: 2020-11-27. Review status: criteria provided, single submitter. Criteria: GeneDx Variant Classification Process June 2021. Collection method: clinical testing. Allele origin: germline. Affected: yes.

Baylor Genetics
Classification: Uncertain significance for Autosomal recessive limb-girdle muscular dystrophy type 2J. Last evaluated: 2020-09-30. Review status: criteria provided, single submitter. Criteria: ACMG Guidelines, 2015. Collection method: clinical testing. Allele origin: unknown. Affected: yes.
Comment: This variant was determined to be of uncertain significance according to ACMG Guidelines, 2015 [PMID:25741868].

Revvity Omics, Revvity
Classification: Uncertain significance. Last evaluated: 2020-09-01. Review status: criteria provided, single submitter. Criteria: ACMG Guidelines, 2015. Collection method: clinical testing. Allele origin: germline.

Ambry Genetics
Classification: Likely benign for Cardiovascular phenotype. Last evaluated: 2019-11-05. Review status: criteria provided, single submitter. Criteria: Ambry Variant Classification Scheme 2023. Collection method: clinical testing. Allele origin: germline.

Eurofins Ntd Llc (ga)
Classification: Uncertain significance. Last evaluated: 2018-09-11. Review status: criteria provided, single submitter. Criteria: EGL ClinVar v180209 classification definitions. Collection method: clinical testing. Allele origin: germline. Observed: 9 variant alleles, 9 heterozygotes.

Illumina Laboratory Services, Illumina
Classification: Benign for Tibial muscular dystrophy. Last evaluated: 2018-01-13. Review status: criteria provided, single submitter. Criteria: ICSL Variant Classification Criteria 13 December 2019. Collection method: clinical testing. Allele origin: germline.
Comment: This variant was observed in the ICSL laboratory as part of a predisposition screen in an ostensibly healthy population. It had not been previously curated by ICSL or reported in the Human Gene Mutation Database (HGMD: prior to June 1st, 2018), and was therefore a candidate for classification through an automated scoring system. Utilizing variant allele frequency, disease prevalence and penetrance estimates, and inheritance mode, an automated score was calculated to assess if this variant is too frequent to cause the disease. Based on the score and internal cut-off values, a variant classified as benign is not then subjected to further curation. The score for this variant resulted in a classification of benign for this disease.

Illumina Laboratory Services, Illumina
Classification: Uncertain significance for Dilated cardiomyopathy 1G. Last evaluated: 2018-01-13. Review status: criteria provided, single submitter. Criteria: ICSL Variant Classification Criteria 13 December 2019. Collection method: clinical testing. Allele origin: germline.

Illumina Laboratory Services, Illumina
Classification: Benign for Myopathy, myofibrillar, 9, with early respiratory failure. Last evaluated: 2018-01-13. Review status: criteria provided, single submitter. Criteria: ICSL Variant Classification Criteria 13 December 2019. Collection method: clinical testing. Allele origin: germline.
Comment: the same text as in the submission from Illumina Laboratory Services, Illumina above.

Illumina Laboratory Services, Illumina
Classification: Uncertain significance for Autosomal recessive limb-girdle muscular dystrophy type 2J. Last evaluated: 2018-01-13. Review status: criteria provided, single submitter. Criteria: ICSL Variant Classification Criteria 13 December 2019. Collection method: clinical testing. Allele origin: germline.

Illumina Laboratory Services, Illumina
Classification: Uncertain significance for Early-onset myopathy with fatal cardiomyopathy. Last evaluated: 2018-01-13. Review status: criteria provided, single submitter. Criteria: ICSL Variant Classification Criteria 13 December 2019. Collection method: clinical testing. Allele origin: germline.

Laboratory for Molecular Medicine, Mass General Brigham Personalized Medicine
Classification: Uncertain significance. Last evaluated: 2016-05-06. Review status: criteria provided, single submitter. Criteria: LMM Criteria. Collection method: clinical testing. Allele origin: germline. Observed: 3 variant alleles.
Comment: Variant classified as Uncertain Significance - Favor Benign. This v ariant has also been identified in 0.1% (10/9520) of African chromosomes by the Exome Aggregation Consortium (ExAC; dbSNP rs3688 67993). Computational prediction tools and conservation analysis suggest that th e variant may not impact the protein, though this information is not predictive enough to rule out pathogenicity. In summary, while the clinical significance of the p.Ile20720Met variant is uncertain, these data suggest that it is more like ly to be benign.

NM_001267550.2(TTN):c.69864A>G (p.Ile23288Met)

Genes: TTN (titin; minus strand), TTN-AS1 (TTN antisense RNA 1; plus strand), LOC126806422 (BRD4-independent group 4 enhancer GRCh37_chr2:179440205-179441404; plus strand). Cytogenetic location: 2q31.2.
Variant type: single nucleotide variant.
Coding change: c.69864A>G on transcript NM_001267550.2 (MANE Select); coding-DNA position 69864, A replaced by G.
Protein change: p.Ile23288Met; replaces isoleucine 23288 with methionine.
Molecular consequence: missense variant.
Genome position (GRCh38, 1-based): chr2:178,576,268, T>C on the plus strand (A>G on the coding strand, the complement: TTN is on the minus strand). VCF-style: chr2-178576268-T-C. GRCh37 (hg19) VCF-style: chr2-179440995-T-C.
Other names: c.64941A>G, p.Ile21647Met (NM_001256850.1); c.42669A>G, p.Ile14223Met (NM_003319.4); c.62160A>G, p.Ile20720Met (NM_133378.4); c.43044A>G, p.Ile14348Met (NM_133432.3); c.43245A>G, p.Ile14415Met (NM_133437.4); short protein forms I20720M, I23288M, I21647M, I14415M, I14223M, I14348M.
Identifiers: ClinVar variation 165861 (VCV000165861.38), dbSNP rs368867993, ClinGen allele CA178543.